The following is an entry in ClinVar:

ClinVar aggregate classification (germline): Uncertain significance (1 of 4 stars; one submission).

Conditions:
Alpha-methylacyl-CoA racemase deficiency (AMACRD). Also called: AMACR deficiency. Identifiers: Orphanet 79095, MedGen C3280428, MONDO:0013681, OMIM 614307. Disease mechanism: loss of function.

Submission:

Labcorp Genetics (formerly Invitae), Labcorp
Classification: Uncertain significance for Alpha-methylacyl-CoA racemase deficiency. Last evaluated: 2021-11-09. Review status: criteria provided, single submitter. Criteria: Invitae Variant Classification Sherloc (09022015). Collection method: clinical testing. Allele origin: germline.
Comment: This sequence change replaces asparagine, which is neutral and polar, with aspartic acid, which is acidic and polar, at codon 183 of the AMACR protein (p.Asn183Asp). In summary, the available evidence is currently insufficient to determine the role of this variant in disease. Therefore, it has been classified as a Variant of Uncertain Significance. Algorithms developed to predict the effect of sequence changes on RNA splicing suggest that this variant may create or strengthen a splice site. Algorithms developed to predict the effect of missense changes on protein structure and function (SIFT, PolyPhen-2, Align-GVGD) all suggest that this variant is likely to be tolerated. This variant has not been reported in the literature in individuals affected with AMACR-related conditions. This variant is not present in population databases (gnomAD no frequency).

NM_014324.6(AMACR):c.547A>G (p.Asn183Asp)

Genes: C1QTNF3-AMACR (C1QTNF3-AMACR readthrough (NMD candidate); minus strand), AMACR (alpha-methylacyl-CoA racemase; minus strand). Cytogenetic location: 5p13.2.
Variant type: single nucleotide variant.
Coding change: c.547A>G on transcript NM_014324.6 (MANE Select); coding-DNA position 547, A replaced by G.
Protein change: p.Asn183Asp; replaces asparagine 183 with aspartic acid.
Molecular consequence: missense variant. On other transcripts: intron variant (1).
Genome position (GRCh38, 1-based): chr5:34,004,579, T>C on the plus strand (A>G on the coding strand, the complement: AMACR is on the minus strand). VCF-style: chr5-34004579-T-C. GRCh37 (hg19) VCF-style: chr5-34004684-T-C.
Other names: c.547A>G, p.Asn183Asp (NM_001167595.2); c.391+1177A>G (NM_203382.3); short protein forms N183D.
Identifiers: ClinVar variation 1425170 (VCV001425170.4), dbSNP rs2112069615, ClinGen allele CA359382908.